The following is an entry in ClinVar:

ClinVar aggregate classification (germline): Uncertain significance (1 of 4 stars; one submission).

Conditions:
Dyskeratosis congenita, autosomal recessive 6 (DKCB6). Identifiers: MedGen C4225356, MONDO:0014600, OMIM 616353.
Pulmonary fibrosis and/or bone marrow failure, Telomere-related, 4. Also called: PULMONARY FIBROSIS AND/OR BONE MARROW FAILURE SYNDROME, TELOMERE-RELATED, 4. Identifiers: Orphanet 2032, MedGen C4225347, MONDO:0014612, OMIM 616371.

Allele frequency attached by ClinVar (database versions not stated): gnomAD exomes below 0.00001.
gnomAD v4.1: 1 of 1,601,864 alleles (0.000062%); highest among the groups gnomAD compares: Non-Finnish European, 0.000085%; no homozygotes.

Submission:

Labcorp Genetics (formerly Invitae), Labcorp
Classification: Uncertain significance for Dyskeratosis congenita, autosomal recessive 6; Pulmonary fibrosis and/or bone marrow failure, Telomere-related, 4. Last evaluated: 2022-11-06. Review status: criteria provided, single submitter. Criteria: Invitae Variant Classification Sherloc (09022015). Collection method: clinical testing. Allele origin: germline.
Comment: This sequence change replaces isoleucine, which is neutral and non-polar, with valine, which is neutral and non-polar, at codon 131 of the PARN protein (p.Ile131Val). This variant is not present in population databases (gnomAD no frequency). In summary, the available evidence is currently insufficient to determine the role of this variant in disease. Therefore, it has been classified as a Variant of Uncertain Significance. Algorithms developed to predict the effect of missense changes on protein structure and function are either unavailable or do not agree on the potential impact of this missense change (SIFT: "Tolerated"; PolyPhen-2: "Probably Damaging"; Align-GVGD: "Class C0"). This variant has not been reported in the literature in individuals affected with PARN-related conditions.

NM_002582.4(PARN):c.391A>G (p.Ile131Val)

Gene: PARN (poly(A)-specific ribonuclease; minus strand). Cytogenetic location: 16p13.12.
Variant type: single nucleotide variant.
Coding change: c.391A>G on transcript NM_002582.4 (MANE Select); coding-DNA position 391, A replaced by G.
Protein change: p.Ile131Val; replaces isoleucine 131 with valine.
Molecular consequence: missense variant.
Genome position (GRCh38, 1-based): chr16:14,610,807, T>C on the plus strand (A>G on the coding strand, the complement: PARN is on the minus strand). VCF-style: chr16-14610807-T-C. GRCh37 (hg19) VCF-style: chr16-14704664-T-C.
Other names: c.208A>G, p.Ile70Val (NM_001134477.3); c.253A>G, p.Ile85Val (NM_001242992.2); short protein forms I131V, I70V, I85V.
Identifiers: ClinVar variation 2128784 (VCV002128784.4), dbSNP rs2508395522, ClinGen allele CA394811376.